The following is an entry in ClinVar:

ClinVar aggregate classification (germline): Benign/Likely benign. Review status: criteria provided, multiple submitters, no conflicts (2 of 4 stars). 4 submissions from 4 submitters: Benign (2); Likely benign (2). Last evaluated 2025-12-01.

Conditions:
Developmental and epileptic encephalopathy, 5 (DEE5). Identifiers: Orphanet 3451, MedGen C3150731, MONDO:0013277, OMIM 613477.
Early-infantile DEE. Also called: Ohtahara syndrome; Early infantile epileptic encephalopathy with suppression bursts; Early infantile epileptic encephalopathy. Identifiers: Orphanet 1934, MedGen C0393706, MONDO:0800491.

Allele frequency attached by ClinVar (database versions not stated): gnomAD 0.00001 and 0.00009; TOPMed 0.00002; gnomAD exomes 0.00007 and 0.00014; ExAC 0.00018; 1000 Genomes Project 0.00080; 1000 Genomes Project 30x 0.00094.
gnomAD v4.1: 119 of 1,614,188 alleles (0.0074%); highest among the groups gnomAD compares: South Asian, 0.12%; no homozygotes.

Submissions (4):

Labcorp Genetics (formerly Invitae), Labcorp
Classification: Benign for Early-infantile DEE. Last evaluated: 2025-12-01. Review status: criteria provided, single submitter. Criteria: Invitae Variant Classification Sherloc (09022015). Collection method: clinical testing. Allele origin: germline.

Blueprint Genetics
Classification: Likely benign. Last evaluated: 2024-06-03. Review status: criteria provided, single submitter. Criteria: ACMG Guidelines, 2015. Collection method: clinical testing. Allele origin: germline.

Genome-Nilou Lab
Classification: Benign for Developmental and epileptic encephalopathy, 5. Last evaluated: 2021-07-15. Review status: criteria provided, single submitter. Criteria: ACMG Guidelines, 2015. Collection method: clinical testing. Allele origin: germline. Affected: no.

GeneDx
Classification: Likely benign. Last evaluated: 2018-02-05. Review status: criteria provided, single submitter. Criteria: GeneDx Variant Classification (06012015). Collection method: clinical testing. Allele origin: germline. Affected: yes.
Comment: This variant is considered likely benign or benign based on one or more of the following criteria: it is a conservative change, it occurs at a poorly conserved position in the protein, it is predicted to be benign by multiple in silico algorithms, and/or has population frequency not consistent with disease.

NM_001130438.3(SPTAN1):c.3762A>G (p.Gln1254=)

Gene: SPTAN1 (spectrin alpha, non-erythrocytic 1; plus strand). Cytogenetic location: 9q34.11.
Variant type: single nucleotide variant.
Coding change: c.3762A>G on transcript NM_001130438.3 (MANE Select); coding-DNA position 3762, A replaced by G.
Protein change: p.Gln1254=; no amino-acid change (glutamine 1254 retained).
Molecular consequence: synonymous variant.
Genome position (GRCh38, 1-based): chr9:128,605,076, A>G. VCF-style: chr9-128605076-A-G. GRCh37 (hg19) VCF-style: chr9-131367355-A-G.
Other names: c.3702A>G, p.Gln1234= (NM_001195532.2, NM_001363765.2); c.3762A>G, p.Gln1254= (NM_001363759.2, NM_003127.4).
Identifiers: ClinVar variation 365164 (VCV000365164.16), dbSNP rs533042543, ClinGen allele CA5265039.